The following is an entry in ClinVar:

NM_003668.4(MAPKAPK5):c.590C>T (p.Ala197Val)

Gene: MAPKAPK5 (MAPK activated protein kinase 5; plus strand). Cytogenetic location: 12q24.12.
Variant type: single nucleotide variant.
Coding change: c.590C>T on transcript NM_003668.4 (MANE Select); coding-DNA position 590, C replaced by T.
Protein change: p.Ala197Val; replaces alanine 197 with valine.
Molecular consequence: missense variant. On other transcripts: intron variant (1).
Genome position (GRCh38, 1-based): chr12:111,880,457, C>T. VCF-style: chr12-111880457-C-T. GRCh37 (hg19) VCF-style: chr12-112318261-C-T.
Other names: NC_000012.11:g.112318261C>T; c.293C>T, p.Ala98Val (NM_001371487.1); c.590C>T, p.Ala197Val (NM_139078.3, NM_001371479.1, NM_001371480.1); c.580-3124C>T (NM_001371481.1); c.500C>T, p.Ala167Val (NM_001371482.1, NM_001371483.1); c.488C>T, p.Ala163Val (NM_001371484.1); c.383C>T, p.Ala128Val (NM_001371485.1, NM_001371486.1); short protein forms A128V, A163V, A167V, A197V, A98V.
Identifiers: ClinVar variation 1699382 (VCV001699382.4), dbSNP rs947286159, ClinGen allele CA243682472.
Genomic context (GRCh38, chr12:111,880,457, plus strand): 5'-CGGTGGTGTGATTTTCATTAAATGGTCCCCTTTGGTCTGACTCTTGACAGGTACTGGAGG[C>T]GCAAAGAAGGCATCAGAAGGAGAAATCTGGCATCATACCTACCTCACCGACGCCCTACAC-3'
Protein context (NP_003659.2, residues 187-207): PYYVAPQVLE[Ala197Val]QRRHQKEKSG

ClinVar aggregate classification (germline): Uncertain significance (1 of 4 stars; one submission).

Conditions:
Syndromic disease. Identifiers: MedGen C0039082, MONDO:0002254.

Allele frequency attached by ClinVar (database versions not stated): TOPMed below 0.00001; gnomAD 0.00001; gnomAD exomes below 0.00001.
gnomAD v4.1: 10 of 1,613,462 alleles (0.00062%); highest among the groups gnomAD compares: South Asian, 0.0011%; no homozygotes.

Submissions (2):

Victorian Clinical Genetics Services, Murdoch Childrens Research Institute
Classification: Uncertain significance for Syndromic disease. Last evaluated: 2022-06-24. Review status: criteria provided, single submitter. Criteria: ACMG Guidelines, 2015. Collection method: clinical testing. Allele origin: germline. Inheritance: Autosomal recessive inheritance.
Comment: Based on the classification scheme VCGS_Germline_v1.3.4, this variant is classified as VUS-3B. Following criteria are met: 0102 - Loss of function is a known mechanism of disease in this gene and is associated with developmental disorder (PMID: 33442026). (I) 0106 - This gene is associated with autosomal recessive disease. (I) 0200 - Variant is predicted to result in a missense amino acid change from alanine to valine. (I) 0252 - This variant is homozygous. (I) 0304 - Variant is present in gnomAD (v2) <0.01 for a recessive condition (1 heterozygote, 0 homozygotes). (SP) 0502 - Missense variant with conflicting in silico predictions and very highly conserved with a minor amino acid change. (I) 0600 - Variant is located in the annotated catalytic domain (PMID: 33442026). (I) 0705 - No comparable missense variants have previous evidence for pathogenicity. (I) 0807 - This variant has no previous evidence of pathogenicity. (I) 0905 - No published segregation evidence has been identified for this variant. (I) 1007 - No published functional evidence has been identified for this variant. (I) Legend: (SP) - Supporting pathogenic, (I) - Information, (SB) - Supporting benign

Dr. Peter K. Rogan Lab, Western University
No classification provided (evidence only). Condition: Squamous cell carcinoma of the head and neck. Review status: no classification provided. Collection method: in vitro. Allele origin: not applicable. Functional consequence: retained intron. Not counted in ClinVar's aggregate classification.

Literature cited by the submitters: PubMed 33442026 (cited by Victorian Clinical Genetics Services, Murdoch Childrens Research Institute).